The following is an entry in ClinVar:

NM_001267550.2(TTN):c.58969G>T (p.Glu19657Ter)

Genes: TTN (titin; minus strand), TTN-AS1 (TTN antisense RNA 1; plus strand). Cytogenetic location: 2q31.2.
Variant type: single nucleotide variant.
Coding change: c.58969G>T on transcript NM_001267550.2 (MANE Select); coding-DNA position 58969, G replaced by T.
Protein change: p.Glu19657Ter; replaces glutamic acid 19657 with a stop codon.
Molecular consequence: nonsense.
Genome position (GRCh38, 1-based): chr2:178,593,239, C>A on the plus strand (G>T on the coding strand, the complement: TTN is on the minus strand). VCF-style: chr2-178593239-C-A. GRCh37 (hg19) VCF-style: chr2-179457966-C-A.
Other names: c.54046G>T, p.Glu18016Ter (NM_001256850.1); c.31774G>T, p.Glu10592Ter (NM_003319.4); c.51265G>T, p.Glu17089Ter (NM_133378.4); c.32149G>T, p.Glu10717Ter (NM_133432.3); c.32350G>T, p.Glu10784Ter (NM_133437.4); short protein forms E17089*, E18016*, E19657*, E10592*, E10717*, E10784*.
Identifiers: ClinVar variation 3759266 (VCV003759266.2).
Genomic context (GRCh38, chr2:178,593,239, plus strand): 5'-GATCTTTAGCAAAGACTGGTTTGGATGGTGGGCTTGGATCTCCAATACCAATTTCATTTT[C>A]TGCAGAAACCCGGAATTCATACTGACATCCTTCTAGAAGATCAGGAACCCTAAATTTAGT-3'

ClinVar aggregate classification (germline): Likely pathogenic (1 of 4 stars; one submission).

Conditions:
Dilated cardiomyopathy 1G (CMD1G). Identifiers: Orphanet 154, MedGen C1858763, MONDO:0011400, OMIM 604145.
Autosomal recessive limb-girdle muscular dystrophy type 2J (LGMDR10). Also called: Limb-girdle muscular dystrophy, type 2J; MUSCULAR DYSTROPHY, LIMB-GIRDLE, AUTOSOMAL RECESSIVE 10. Identifiers: Orphanet 140922, MedGen C1837342, MONDO:0012127, OMIM 608807.

Submission:

Labcorp Genetics (formerly Invitae), Labcorp
Classification: Likely pathogenic for Dilated cardiomyopathy 1G; Autosomal recessive limb-girdle muscular dystrophy type 2J. Last evaluated: 2024-09-27. Review status: criteria provided, single submitter. Criteria: Invitae Variant Classification Sherloc (09022015). Collection method: clinical testing. Allele origin: germline.
Comment: This sequence change creates a premature translational stop signal (p.Glu19657*) in the TTN gene. While this is not anticipated to result in nonsense mediated decay, it is expected to create a truncated TTN protein. This variant is not present in population databases (gnomAD no frequency). This variant has not been reported in the literature in individuals affected with TTN-related conditions. This variant is located in the A band of TTN (PMID: 25589632). Truncating variants in this region are significantly overrepresented in patients affected with dilated cardiomyopathy (PMID: 25589632). Truncating variants in this region have also been reported in individuals affected with autosomal recessive centronuclear myopathy (PMID: 23975875). In summary, the currently available evidence indicates that the variant is pathogenic, but additional data are needed to prove that conclusively. Therefore, this variant has been classified as Likely Pathogenic.

Literature cited by the submitters: PubMed 25589632; PubMed 23975875.